The following is an entry in ClinVar:

ClinVar aggregate classification (germline): Uncertain significance (1 of 4 stars; one submission).

Submission:

Labcorp Genetics (formerly Invitae), Labcorp
Classification: Uncertain significance. Last evaluated: 2024-05-14. Review status: criteria provided, single submitter. Criteria: Invitae Variant Classification Sherloc (09022015). Collection method: clinical testing. Allele origin: germline.
Comment: This variant, c.1672_1674del, results in the deletion of 1 amino acid(s) of the COL17A1 protein (p.Met558del), but otherwise preserves the integrity of the reading frame. This variant is present in population databases (rs544472975, gnomAD 0.09%). This variant has not been reported in the literature in individuals affected with COL17A1-related conditions. Experimental studies and prediction algorithms are not available or were not evaluated, and the functional significance of this variant is currently unknown. In summary, the available evidence is currently insufficient to determine the role of this variant in disease. Therefore, it has been classified as a Variant of Uncertain Significance.

NM_000494.4(COL17A1):c.1669ATG[1] (p.Met558del)

Gene: COL17A1 (collagen type XVII alpha 1 chain; minus strand). Cytogenetic location: 10q25.1.
Variant type: Microsatellite.
Coding change: c.1669ATG[1] on transcript NM_000494.4 (MANE Select); one copy of the 3-base unit ATG starting at c.1669; the reference has two copies in a row; one copy, 3 bases deleted.
Protein change: p.Met558del; deletes methionine 558.
Genome position (GRCh38, 1-based): chr10:104,055,795-104,055,797, CAT deleted on the plus strand (ATG on the coding strand, the reverse complement: COL17A1 is on the minus strand); deleting any 3 consecutive bases within chr10:104,055,795-104,055,800 gives the same sequence; the position shown is the placement nearest the transcript's 3' end. VCF-style (leftmost placement, unchanged base first): chr10-104055794-CCAT-C. GRCh37 (hg19) VCF-style: chr10-105815552-CCAT-C.
Other names: short protein forms M558del.
Identifiers: ClinVar variation 3705786 (VCV003705786.2).